The following is an entry in ClinVar:

NM_000718.4(CACNA1B):c.4305_4308+16del

Gene: CACNA1B (calcium voltage-gated channel subunit alpha1 B; plus strand). Cytogenetic location: 9q34.3.
Variant type: Deletion.
Coding change: c.4305_4308+16del on transcript NM_000718.4 (MANE Select); coding-DNA position 4305 through 16 bases into the intron after coding-DNA position 4308, 20 bases deleted (CGAGGTAGGTGGACGCTCTG).
Molecular consequence: splice donor variant.
Genome position (GRCh38, 1-based): chr9:138,058,247-138,058,266, CGAGGTAGGTGGACGCTCTG deleted. VCF-style (leftmost placement, unchanged base first): chr9-138058246-ACGAGGTAGGTGGACGCTCTG-A. GRCh37 (hg19) VCF-style: chr9-140952698-ACGAGGTAGGTGGACGCTCTG-A.
Other names: c.4305_4308+16del (NM_001243812.2).
Identifiers: ClinVar variation 3669145 (VCV003669145.2).

ClinVar aggregate classification (germline): Likely pathogenic (1 of 4 stars; one submission).

Submission:

Labcorp Genetics (formerly Invitae), Labcorp
Classification: Likely pathogenic. Last evaluated: 2024-06-22. Review status: criteria provided, single submitter. Criteria: Invitae Variant Classification Sherloc (09022015). Collection method: clinical testing. Allele origin: germline.
Comment: This variant results in the deletion of part of exon 28 (c.4305_4308+16del) of the CACNA1B gene. It is expected to disrupt RNA splicing. Variants that disrupt the donor or acceptor splice site typically lead to a loss of protein function (PMID: 16199547), and loss-of-function variants in CACNA1B are known to be pathogenic (PMID: 30982612). This variant is not present in population databases (gnomAD no frequency). This variant has not been reported in the literature in individuals affected with CACNA1B-related conditions. In summary, the currently available evidence indicates that the variant is pathogenic, but additional data are needed to prove that conclusively. Therefore, this variant has been classified as Likely Pathogenic.

Literature cited by the submitters: PubMed 16199547; PubMed 30982612.